The following is an entry in ClinVar:

ClinVar aggregate classification (germline): Benign (0 of 4 stars; one submission).

Conditions:
EFCAB13-related disorder. Also called: EFCAB13-related condition.

Allele frequency attached by ClinVar (database versions not stated): ESP Exome Variant Server 0.07404; gnomAD exomes 0.08409; gnomAD 0.08753; TOPMed 0.09083; ExAC 0.10800; 1000 Genomes Project 30x 0.14475; 1000 Genomes Project 0.14836.
gnomAD v4.1: 136,882 of 1,613,460 alleles (8.5%); highest among the groups gnomAD compares: East Asian, 34%; 8,370 homozygotes.

Submission:

PreventionGenetics, part of Exact Sciences
Classification: Benign for EFCAB13-related condition. Last evaluated: 2019-11-15. Review status: no assertion criteria provided. Collection method: clinical testing. Allele origin: germline.
Comment: This variant is classified as benign based on ACMG/AMP sequence variant interpretation guidelines (Richards et al. 2015 PMID: 25741868, with internal and published modifications).

NM_152347.5(EFCAB13):c.2391C>T (p.Phe797=)

Gene: EFCAB13 (EF-hand calcium binding domain 13; plus strand). Cytogenetic location: 17q21.32.
Variant type: single nucleotide variant.
Coding change: c.2391C>T on transcript NM_152347.5 (MANE Select); coding-DNA position 2391, C replaced by T.
Protein change: p.Phe797=; no amino-acid change (phenylalanine 797 retained).
Molecular consequence: synonymous variant.
Genome position (GRCh38, 1-based): chr17:47,412,885, C>T. VCF-style: chr17-47412885-C-T. GRCh37 (hg19) VCF-style: chr17-45490251-C-T.
Other names: c.2103C>T, p.Phe701= (NM_001195192.2, NM_001426588.1); c.2391C>T, p.Phe797= (NM_001426585.1); c.2247C>T, p.Phe749= (NM_001426586.1, NM_001426587.1).
Identifiers: ClinVar variation 3059807 (VCV003059807.2), dbSNP rs3883318, ClinGen allele CA8624255.